The following is an entry in ClinVar:

NM_001378452.1(ITPR1):c.589A>C (p.Ser197Arg)

Gene: ITPR1 (inositol 1,4,5-trisphosphate receptor type 1; plus strand). Cytogenetic location: 3p26.1.
Variant type: single nucleotide variant.
Coding change: c.589A>C on transcript NM_001378452.1 (MANE Select); coding-DNA position 589, A replaced by C.
Protein change: p.Ser197Arg; replaces serine 197 with arginine.
Molecular consequence: missense variant.
Genome position (GRCh38, 1-based): chr3:4,644,199, A>C. VCF-style: chr3-4644199-A-C. GRCh37 (hg19) VCF-style: chr3-4685883-A-C.
Other names: c.589A>C, p.Ser197Arg (NM_001099952.4, NM_001168272.2, NM_002222.7); short protein forms S197R.
Identifiers: ClinVar variation 5017520 (VCV005017520.1).
Genomic context (GRCh38, chr3:4,644,199, plus strand): 5'-GTCATAGGTGACAAGGTGGTTCTGAACCCCGTCAATGCTGGTCAGCCCCTACATGCTAGC[A>C]GCCATCAACTGGTAGATAACCCAGGCTGCAATGAGGTAAGGACATTGAGTTATGTGTGTG-3'
Protein context (NP_001365381.1, residues 187-207): VNAGQPLHAS[Ser197Arg]HQLVDNPGCN

ClinVar aggregate classification (germline): Uncertain significance (1 of 4 stars; one submission).

Submission:

GeneDx
Classification: Uncertain significance. Last evaluated: 2026-03-25. Review status: criteria provided, single submitter. Criteria: GeneDx Variant Classification Process June 2021. Collection method: clinical testing. Allele origin: germline.
Comment: Not observed at significant frequency in large population cohorts (gnomAD); In silico analysis suggests that this missense variant does not alter protein structure/function; Has not been previously published as pathogenic or benign to our knowledge